The following is an entry in ClinVar:

ClinVar aggregate classification (germline): Uncertain significance (1 of 4 stars; one submission).

Submission:

Labcorp Genetics (formerly Invitae), Labcorp
Classification: Uncertain significance. Last evaluated: 2022-04-09. Review status: criteria provided, single submitter. Criteria: Invitae Variant Classification Sherloc (09022015). Collection method: clinical testing. Allele origin: germline.
Comment: In summary, the available evidence is currently insufficient to determine the role of this variant in disease. Therefore, it has been classified as a Variant of Uncertain Significance. Algorithms developed to predict the effect of missense changes on protein structure and function are either unavailable or do not agree on the potential impact of this missense change (SIFT: "Deleterious"; PolyPhen-2: "Probably Damaging"; Align-GVGD: "Class C15"). This variant has not been reported in the literature in individuals affected with USH2A-related conditions. This variant is not present in population databases (gnomAD no frequency). This sequence change replaces glycine, which is neutral and non-polar, with valine, which is neutral and non-polar, at codon 601 of the USH2A protein (p.Gly601Val).

NM_206933.4(USH2A):c.1802G>T (p.Gly601Val)

Gene: USH2A (usherin; minus strand). Cytogenetic location: 1q41.
Variant type: single nucleotide variant.
Coding change: c.1802G>T on transcript NM_206933.4 (MANE Select); coding-DNA position 1802, G replaced by T.
Protein change: p.Gly601Val; replaces glycine 601 with valine.
Molecular consequence: missense variant.
Genome position (GRCh38, 1-based): chr1:216,292,213, C>A on the plus strand (G>T on the coding strand, the complement: USH2A is on the minus strand). VCF-style: chr1-216292213-C-A. GRCh37 (hg19) VCF-style: chr1-216465555-C-A.
Other names: c.1802G>T, p.Gly601Val (NM_007123.6); short protein forms G601V.
Identifiers: ClinVar variation 1963393 (VCV001963393.5), dbSNP rs2528256338, ClinGen allele CA344903066.
Genomic context (GRCh38, chr1:216,292,213, plus strand): 5'-CAGGAATTTATTTGCTACTTACCTGTAGTGTTATGCTCACAATCATCACAAACTCCTCCT[C>A]CCCCTCTGAAGTGCTCAAAAGGAAATGGGTCTACAGAGATGTTGTAATGGCAGCTTTTGG-3'
Protein context (NP_996816.3, residues 591-611): DPFPFEHFRG[Gly601Val]GGVCDDCEHN